The following is an entry in ClinVar:

NM_001042492.3(NF1):c.8297dup (p.Gln2767fs)

Gene: NF1 (neurofibromin 1; plus strand). Cytogenetic location: 17q11.2.
Variant type: Duplication.
Coding change: c.8297dup on transcript NM_001042492.3 (MANE Select); coding-DNA position 8297, one base duplicated (T; older notation c.8297dupT).
Protein change: p.Gln2767fs; shifts the reading frame from glutamine 2767.
Molecular consequence: frameshift variant.
Genome position (GRCh38, 1-based): chr17:31,360,623, T duplicated. VCF-style (leftmost placement, unchanged base first): chr17-31360622-C-CT. GRCh37 (hg19) VCF-style: chr17-29687640-C-CT.
Other names: c.8234dup, p.Gln2746Alafs (NM_000267.4); short protein forms Q2767fs, Q2746fs.
Identifiers: ClinVar variation 3640097 (VCV003640097.2).
Genomic context (GRCh38, chr17:31,360,622, plus strand): 5'-ATTGATGAAGAAACCAGTGAAGAATCCCTCCTGACTCCCACATCTCCTTACCCTCCTGCA[C>CT]TGCAGAGCCAGCTTAGTATCACTGCCAACCTTAACCTTTCTAATTCCATGACCTCACTTG-3'

ClinVar aggregate classification (germline): Pathogenic (1 of 4 stars; one submission).

Conditions:
Neurofibromatosis, type 1 (NF1). Also called: VON RECKLINGHAUSEN DISEASE; Peripheral type neurofibromatosis; NEUROFIBROMATOSIS, TYPE I, SOMATIC; Neurofibromatosis, type I. Identifiers: Orphanet 636, MedGen C0027831, MONDO:0018975, OMIM 162200. Disease mechanism: loss of function.

Submission:

Labcorp Genetics (formerly Invitae), Labcorp
Classification: Pathogenic for Neurofibromatosis, type 1. Last evaluated: 2024-07-14. Review status: criteria provided, single submitter. Criteria: Invitae Variant Classification Sherloc (09022015). Collection method: clinical testing. Allele origin: germline.
Comment: This sequence change creates a premature translational stop signal (p.Gln2746Alafs*5) in the NF1 gene. It is expected to result in an absent or disrupted protein product. Loss-of-function variants in NF1 are known to be pathogenic (PMID: 10712197, 23913538). This variant is not present in population databases (gnomAD no frequency). This variant has not been reported in the literature in individuals affected with NF1-related conditions. For these reasons, this variant has been classified as Pathogenic.

Literature cited by the submitters: PubMed 10712197; PubMed 23913538.